The following is an entry in ClinVar:

ClinVar aggregate classification (germline): Likely benign. Review status: criteria provided, single submitter (1 of 4 stars). 2 submissions from 2 submitters: Likely benign (1). 1 of the submissions does not count toward it. Last evaluated 2022-01-16.

Conditions:
LEPR-related disorder. Also called: LEPR-related disorders; LEPR-related condition.

Allele frequency attached by ClinVar (database versions not stated): gnomAD exomes 0.00002; ExAC 0.00003; ESP Exome Variant Server 0.00015; 1000 Genomes Project 30x 0.00016; 1000 Genomes Project 0.00020; gnomAD 0.00020; TOPMed 0.00022.
gnomAD v4.1: 59 of 1,613,898 alleles (0.0037%); highest among the groups gnomAD compares: African/African-American, 0.068%; no homozygotes.

Submissions (2):

Labcorp Genetics (formerly Invitae), Labcorp
Classification: Likely benign. Last evaluated: 2022-01-16. Review status: criteria provided, single submitter. Criteria: Invitae Variant Classification Sherloc (09022015). Collection method: clinical testing. Allele origin: germline.

PreventionGenetics, part of Exact Sciences
Classification: Likely benign for LEPR-related condition. Last evaluated: 2021-03-02. Review status: no assertion criteria provided. Collection method: clinical testing. Allele origin: germline. Not counted in ClinVar's aggregate classification.
Comment: This variant is classified as likely benign based on ACMG/AMP sequence variant interpretation guidelines (Richards et al. 2015 PMID: 25741868, with internal and published modifications).

NM_002303.6(LEPR):c.180G>A (p.Ser60=)

Gene: LEPR (leptin receptor; plus strand). Cytogenetic location: 1p31.3.
Variant type: single nucleotide variant.
Coding change: c.180G>A on transcript NM_002303.6 (MANE Select); coding-DNA position 180, G replaced by A.
Protein change: p.Ser60=; no amino-acid change (serine 60 retained).
Molecular consequence: synonymous variant.
Genome position (GRCh38, 1-based): chr1:65,570,612, G>A. VCF-style: chr1-65570612-G-A. GRCh37 (hg19) VCF-style: chr1-66036295-G-A.
Other names: c.180G>A, p.Ser60= (NM_001003679.3, NM_001003680.3, NM_001198687.2 and 2 more transcripts).
Identifiers: ClinVar variation 1900848 (VCV001900848.7), dbSNP rs376850470, ClinGen allele CA894480.